The following is an entry in ClinVar:

NM_000292.3(PHKA2):c.2868C>A (p.His956Gln)

Gene: PHKA2 (phosphorylase kinase regulatory subunit alpha 2; minus strand). Cytogenetic location: Xp22.13.
Variant type: single nucleotide variant.
Coding change: c.2868C>A on transcript NM_000292.3 (MANE Select); coding-DNA position 2868, C replaced by A.
Protein change: p.His956Gln; replaces histidine 956 with glutamine.
Molecular consequence: missense variant.
Genome position (GRCh38, 1-based): chrX:18,905,798, G>T on the plus strand (C>A on the coding strand, the complement: PHKA2 is on the minus strand). VCF-style: chrX-18905798-G-T. GRCh37 (hg19) VCF-style: chrX-18923916-G-T.
Other names: short protein forms H956Q.
Identifiers: ClinVar variation 1708592 (VCV001708592.2), dbSNP rs779163512, ClinGen allele CA412381915.

ClinVar aggregate classification (germline): Uncertain significance (1 of 4 stars; one submission).

Submission:

GeneDx
Classification: Uncertain significance. Last evaluated: 2022-04-01. Review status: criteria provided, single submitter. Criteria: GeneDx Variant Classification Process June 2021. Collection method: clinical testing. Allele origin: germline. Affected: yes.
Comment: Not observed at significant frequency in large population cohorts (gnomAD); In silico analysis supports that this missense variant has a deleterious effect on protein structure/function; Has not been previously published as pathogenic or benign to our knowledge